The following is an entry in ClinVar:

NM_000465.4(BARD1):c.1811-16T>C

Gene: BARD1 (BRCA1 associated RING domain 1; minus strand). Cytogenetic location: 2q35.
Variant type: single nucleotide variant.
Coding change: c.1811-16T>C on transcript NM_000465.4 (MANE Select); 16 bases into the intron before coding-DNA position 1811, T replaced by C.
Molecular consequence: intron variant.
Genome position (GRCh38, 1-based): chr2:214,745,175, A>G on the plus strand (T>C on the coding strand, the complement: BARD1 is on the minus strand). VCF-style: chr2-214745175-A-G. GRCh37 (hg19) VCF-style: chr2-215609899-A-G.
Other names: c.401-16T>C (NM_001282548.2); c.1754-16T>C (NM_001282543.2); c.458-16T>C (NM_001282545.2); c.365-14667T>C (NM_001282549.2).
Identifiers: ClinVar variation 928210 (VCV000928210.6), dbSNP rs981727834, ClinGen allele CA64802393.

ClinVar aggregate classification (germline): Likely benign. Review status: criteria provided, multiple submitters, no conflicts (2 of 4 stars). 3 submissions from 3 submitters: Likely benign (3). Last evaluated 2024-07-26.

Conditions:
Hereditary cancer-predisposing syndrome. Also called: Neoplastic Syndromes, Hereditary; Hereditary Cancer Syndrome; Tumor predisposition; Hereditary neoplastic syndrome. Identifiers: Orphanet 140162, MedGen C0027672, MeSH D009386, MONDO:0015356.
Familial cancer of breast. Also called: Hereditary breast cancer; BREAST CANCER, FAMILIAL; hereditary breast carcinoma. Identifiers: Orphanet 227535, MedGen C0346153, MONDO:0016419, OMIM 114480. Disease mechanism: loss of function.

Allele frequency attached by ClinVar (database versions not stated): gnomAD exomes below 0.00001; TOPMed below 0.00001.
gnomAD v4.1: 3 of 1,603,946 alleles (0.00019%); highest among the groups gnomAD compares: Non-Finnish European, 0.00026%; no homozygotes.

Submissions (3):

Myriad Genetics, Inc.
Classification: Likely benign for Familial cancer of breast. Last evaluated: 2024-07-26. Review status: criteria provided, single submitter. Criteria: Myriad Autosomal Dominant, Autosomal Recessive and X-Linked Classification Criteria (2023). Collection method: clinical testing. Allele origin: unknown.
Comment: This variant is considered likely benign. This variant is intronic and is not expected to impact mRNA splicing.

Labcorp Genetics (formerly Invitae), Labcorp
Classification: Likely benign for Familial cancer of breast. Last evaluated: 2023-10-17. Review status: criteria provided, single submitter. Criteria: Invitae Variant Classification Sherloc (09022015). Collection method: clinical testing. Allele origin: germline.

Color Diagnostics, LLC DBA Color Health
Classification: Likely benign for Hereditary cancer-predisposing syndrome. Last evaluated: 2019-01-31. Review status: criteria provided, single submitter. Criteria: ACMG Guidelines, 2015. Collection method: clinical testing. Allele origin: germline.